The following is an entry in ClinVar:

NM_000492.4(CFTR):c.3884T>G (p.Ile1295Ser)

Gene: CFTR (CF transmembrane conductance regulator; plus strand). Cytogenetic location: 7q31.2.
Variant type: single nucleotide variant.
Coding change: c.3884T>G on transcript NM_000492.4 (MANE Select); coding-DNA position 3884, T replaced by G.
Protein change: p.Ile1295Ser; replaces isoleucine 1295 with serine.
Molecular consequence: missense variant.
Genome position (GRCh38, 1-based): chr7:117,652,852, T>G. VCF-style: chr7-117652852-T-G. GRCh37 (hg19) VCF-style: chr7-117292906-T-G.
Other names: short protein forms I1295S.
Identifiers: ClinVar variation 4001843 (VCV004001843.1).

ClinVar aggregate classification (germline): Uncertain significance (1 of 4 stars; one submission).

Conditions:
Cystic fibrosis (CF). Also called: MUCOVISCIDOSIS. Identifiers: Orphanet 586, MedGen C0010674, MONDO:0009061, OMIM 219700. Disease mechanism: loss of function.

Submission:

Ambry Genetics
Classification: Uncertain significance for Cystic fibrosis. Last evaluated: 2025-04-28. Review status: criteria provided, single submitter. Criteria: Ambry Variant Classification Scheme 2023. Collection method: clinical testing. Allele origin: germline.
Comment: The p.I1295S variant (also known as c.3884T>G), located in coding exon 24 of the CFTR gene, results from a T to G substitution at nucleotide position 3884. The isoleucine at codon 1295 is replaced by serine, an amino acid with dissimilar properties. This amino acid position is well conserved in available vertebrate species. In addition, this alteration is predicted to be deleterious by in silico analysis. Based on the available evidence, the clinical significance of this variant remains unclear.